The following is an entry in ClinVar:

ClinVar aggregate classification (germline): Uncertain significance (1 of 4 stars; one submission).

Conditions:
Neuroblastoma, susceptibility to, 3. Also called: ALK-Related Neuroblastic Tumor Susceptibility. Identifiers: Orphanet 635, MedGen C2751681, MONDO:0013083, OMIM 613014.

Submission:

Labcorp Genetics (formerly Invitae), Labcorp
Classification: Uncertain significance for Neuroblastoma, susceptibility to, 3. Last evaluated: 2024-09-27. Review status: criteria provided, single submitter. Criteria: Invitae Variant Classification Sherloc (09022015). Collection method: clinical testing. Allele origin: germline.
Comment: This sequence change replaces cysteine, which is neutral and slightly polar, with arginine, which is basic and polar, at codon 1259 of the ALK protein (p.Cys1259Arg). This variant is not present in population databases (gnomAD no frequency). This variant has not been reported in the literature in individuals affected with ALK-related conditions. An algorithm developed to predict the effect of missense changes on protein structure and function (PolyPhen-2) suggests that this variant is likely to be tolerated. In summary, the available evidence is currently insufficient to determine the role of this variant in disease. Therefore, it has been classified as a Variant of Uncertain Significance.

NM_004304.5(ALK):c.3775T>C (p.Cys1259Arg)

Gene: ALK (ALK receptor tyrosine kinase; minus strand). Cytogenetic location: 2p23.2.
Variant type: single nucleotide variant.
Coding change: c.3775T>C on transcript NM_004304.5 (MANE Select); coding-DNA position 3775, T replaced by C.
Protein change: p.Cys1259Arg; replaces cysteine 1259 with arginine.
Molecular consequence: missense variant.
Genome position (GRCh38, 1-based): chr2:29,209,847, A>G on the plus strand (T>C on the coding strand, the complement: ALK is on the minus strand). VCF-style: chr2-29209847-A-G. GRCh37 (hg19) VCF-style: chr2-29432713-A-G.
Other names: c.571T>C, p.Cys191Arg (NM_001353765.2); short protein forms C1259R, C191R.
Identifiers: ClinVar variation 3721663 (VCV003721663.2).